The following continues an entry in ClinVar:

UGT1A1*28

ClinVar aggregate classification (germline): Conflicting classifications of pathogenicity; drug response; other. Pathogenic (13); Likely pathogenic (4); Uncertain significance (3); Benign (3).

Submissions 9 to 23 of 30:

Women's Health and Genetics/Laboratory Corporation of America, LabCorp
Classification: Pathogenic for UGT1A1-Related Disorders. Last evaluated: 2024-12-19. Review status: criteria provided, single submitter. Criteria: LabCorp Variant Classification Summary - May 2015. Collection method: clinical testing. Allele origin: germline.
Comment: Variant summary: UGT1A1 c.-41_-40dupTA is located in the untranscribed region upstream of the UGT1A1 gene region and results in the addition of 2 extra bases (TA) in the TATAA element of the gene, creating 7 TA repeats as opposed to the normal 6 TA repeats. The variant allele was found at a frequency of 0.35 in 30582 control chromosomes in the gnomAD database, including 1778 homozygotes. The observed variant frequency exceeds the estimated maximal expected allele frequency for a pathogenic variant in UGT1A1. However, this variant has been associated with Gilbert's syndrome, a mild unconjugated hyperbilirubinaemia in the absence of liver disease or overt hemolysis, which may frequently be undiagnosed and has been estimated to affect 2-12% of the general population (e.g. Monaghan_1996, Bosma_1995). The variant has been reported in multiple homozygous individuals with Gilbert's syndrome and also in unaffected homozygous individuals, although in at least one study, homozygotes who were initially thought to be unaffected were indeed found to have Gilbert's syndrome following assessment with a fasting test (e.g. Bosma_1995, Monaghan_1996). Additionally, this variant has been reported in the compound heterozygous state in trans with structural UGT1A1 variants in affected individuals with intermediate levels of unconjugated hyperbilirubinaemia (e.g. Kadakol_2001). These data indicate that the variant is likely to be associated with disease. At least one publication reports experimental evidence evaluating an impact on protein function and has shown that expansion of the TATAA element to 7 TA repeats results in reduced gene expression, 18-33% of the normal TATAA element with 6 TA repeats (e.g. Bosma_1995). The following publications have been ascertained in the context of this evaluation (PMID: 7565971, 8596320, 11370628). ClinVar contains an entry for this variant (Variation ID: 12275). Based on the evidence outlined above, the variant was classified as pathogenic.

Mayo Clinic Laboratories, Mayo Clinic
Classification: Pathogenic. Last evaluated: 2024-10-24. Review status: criteria provided, single submitter. Criteria: ACMG Guidelines, 2015. Collection method: clinical testing. Allele origin: germline. Observed: 1,080 variant alleles.

Dubai Health Genomic Medicine Center, Dubai Health
Classification: Pathogenic for Crigler-Najjar syndrome. Last evaluated: 2024-10-04. Review status: criteria provided, single submitter. Criteria: ACMG Guidelines, 2015. Collection method: research. Allele origin: germline. Affected: yes.
Comment: PS3_VeryStrong, PM4, PP4

CeGaT Center for Human Genetics Tuebingen
Classification: Pathogenic. Last evaluated: 2024-06-01. Review status: criteria provided, single submitter. Criteria: CeGaT Center For Human Genetics Tuebingen Variant Classification Criteria Version 2. Collection method: clinical testing. Allele origin: germline. Affected: yes. Observed: 202 variant alleles.
Comment: UGT1A1: PS3, PS4, PP4:Moderate

Mendelics
Classification: Likely pathogenic for Crigler-Najjar syndrome, type II. Last evaluated: 2023-06-19. Review status: criteria provided, single submitter. Criteria: Mendelics Assertion Criteria 2017. Collection method: clinical testing. Allele origin: unknown.

ARUP Laboratories, Molecular Genetics and Genomics, ARUP Laboratories
Classification: Pathogenic. Last evaluated: 2022-11-29. Review status: criteria provided, single submitter. Criteria: ARUP Molecular Germline Variant Investigation Process 2021. Collection method: clinical testing. Allele origin: germline.
Comment: The UGT1A1 TATA box commonly has 6 TA repeats; however, there can be 5 TA repeats, 7 TA repeats, or less commonly, 8 and 9 TA repeats (Barbarino 2014). In vitro studies have shown that UGT1A1 promoter expression decreases as the number of TA repeats increases (Beutler 1998). Genotypes that are homozygous for (TA)7, homozygous for (TA)8, or compound heterozygotes for (TA)7, (TA)8, or (TA)9 cause reduced expression of UGT1A1 and are associated with Gilbert syndrome, which is characterized by increased bilirubin levels, and may have a neonatal appearance of hereditary spherocytosis (Bosma 1995, Iolascon 1998, Nikolac 2008, Ostanek 2007). Individuals who are heterozygous for the (TA)7 *28 promoter variant may have an increased risk for drug toxicity when treated with irinotecan (Marcuello 2004, Riera 2018). Individuals who are homozygous for (TA)7 or compound heterozygous for more than 6 TA repeats may experience an increased incidence of atazanavir-associated hyperbilirubinemia (Gammal 2016). References Barbarino JM et al. PharmGKB summary: very important pharmacogene information for UGT1A1. Pharmacogenet Genomics. 2014 24:177-183. PMID: 24492252 Beutler E et al. Racial variability in the UDP-glucuronosyltransferase 1 (UGT1A1) promoter: a balanced polymorphism for regulation of bilirubin metabolism? Proc Natl Acad Sci U S A. 1998 95:8170-8174. PMID: 9653159 Bosma PJ et al. The genetic basis of the reduced expression of bilirubin UDP-glucuronosyltransferase 1 in Gilbert's syndrome. N Engl J Med. 1995 333:1171-1175. PMID: 7565971 Gammal RS et al. Clinical Pharmacogenetics Implementation Consortium (CPIC) Guideline for UGT1A1 and Atazanavir Prescribing. Clin Pharmacol Ther. 2016 99:363-369. PMID: 26417955 Iolascon A et al. UGT1 promoter polymorphism accounts for increased neonatal appearance of hereditary spherocytosis. Blood. 1998 91:1093. PMID: 9446675 Marcuello E et al. UGT1A1 gene variations and irinotecan treatment in patients with metastatic colorectal cancer. Br J Cancer. 2004 91:678-682. PMID: 15280927 Nikolac N et al. Rare TA repeats in promoter TATA box of the UDP glucuronosyltranferase (UGT1A1) gene in Croatian subjects. Clin Chem Lab Med. 2008 46:174-178. PMID: 18324905 Ostanek B et al. UGT1A1(TA)n promoter polymorphism--a new case of a (TA)8 allele in Caucasians. Blood Cells Mol Dis. 2007 38:78-82. PMID: 17196409 Riera P et al. Relevance of CYP3A4*20, UGT1A1*37 and UGT1A1*28 variants in irinotecan-induced severe toxicity. Br J Clin Pharmacol. 2018 84:1389-1392. PMID: 29504153

Department of Clinical Genetics, Copenhagen University Hospital, Rigshospitalet
Classification: Uncertain significance for Gilbert syndrome. Last evaluated: 2021-08-01. Review status: criteria provided, single submitter. Criteria: ACMG Guidelines, 2015. Collection method: clinical testing. Allele origin: unknown. Affected: yes.

Genetic Services Laboratory, University of Chicago
Classification: other. Last evaluated: 2021-02-10. Review status: criteria provided, single submitter. Criteria: ACMG Guidelines, 2015. Collection method: clinical testing. Allele origin: germline. Affected: no.

Dubai Health Genomic Medicine Center, Dubai Health
Classification: Pathogenic for Crigler-Najjar syndrome type 1. Last evaluated: 2020-10-04. Review status: criteria provided, single submitter. Criteria: ACMG Guidelines, 2015. Collection method: clinical testing. Allele origin: germline. Affected: yes.

GeneDx
Classification: Benign. Last evaluated: 2019-10-02. Review status: criteria provided, single submitter. Criteria: GeneDx Variant Classification Process June 2021. Collection method: clinical testing. Allele origin: germline. Affected: yes.

Medical Genetics Summaries
Classification: drug response for Irinotecan response. Last evaluated: 2018-04-04. Review status: criteria provided, single submitter. Criteria: Medical Genetics Summaries: Irinotecan therapy and UGT1A1 genotype. Collection method: curation. Allele origin: germline. Affected: yes.
Comment: The risk of irinotecan toxicity increases with genetic variants associated with reduced UGT enzyme activity, such as UGT1A1*28. The presence of this variant results in reduced excretion of irinotecan metabolites, which leads to increased active irinotecan metabolites in the blood. Homozygous individuals (UGT1A1 *28/*28) are more likely to develop neutropenia following irinotecan therapy

CENTOGENE GmbH and LLC - Guiding Precision Medicine
Classification: Pathogenic for Gilbert syndrome. Review status: criteria provided, single submitter. Criteria: ACMG Guidelines, 2015. Collection method: clinical testing. Allele origin: germline. Affected: yes.

Department of Traditional Chinese Medicine, Fujian Provincial Hospital
Classification: Likely pathogenic for Gilbert syndrome. Review status: criteria provided, single submitter. Criteria: ACMG Guidelines, 2015. Collection method: research. Allele origin: inherited.
Comment: NM _ 000463.3 (UGT1A1): C.-41 _-40 dupTA is intron variation, which has been included in ClinVar database, and its clinical significance is noted as pathogenicity. It has been included in HGMD database, and it has been reported in the literature that it was detected in patients with the same phenotype (PMID: 7565971, 9435989, 11003624, 26467199, 9639672,11370628). The mutant heterozygote retained about 70% of the residual enzyme activity, while the homozygote retained about 30%. （PMID:7565971,9435989,28520360,9639672,11370628）.

Juno Genomics, Hangzhou Juno Genomics, Inc
Classification: Uncertain significance for BILIRUBIN, SERUM LEVEL OF, QUANTITATIVE TRAIT LOCUS 1; Gilbert syndrome; Crigler-Najjar syndrome type 1; Crigler-Najjar syndrome, type II; Lucey-Driscoll syndrome. Review status: criteria provided, single submitter. Criteria: ACMG Guidelines, 2015. Collection method: clinical testing. Allele origin: germline. Affected: yes.
Comment: Allele frequency is greater than expected for disorder.;For recessive disorders, detected in trans with a pathogenic variant.;Patient's phenotype or family history is highly specific for a disease with a single genetic etiology.;Well-established in vitro or in vivo functional studies supportive of a damaging effect on the gene or gene product.

Kasturba Medical College, Manipal, Kasturba Medical College, Manipal, Manipal Academy of Higher Education, Manipal, India
Classification: Pathogenic for Gilbert syndrome. Review status: criteria provided, single submitter. Criteria: ACMG Guidelines, 2015. Collection method: clinical testing. Allele origin: unknown. Inheritance: Autosomal recessive inheritance. Affected: yes. Observed: 1 homozygote.
Comment: This variant in the promoter region of UGT1A1 is associated with reduced transcription of UGT1A1 (Hsieh TY et al 2007).